The following is an entry in ClinVar:

NM_058246.4(DNAJB6):c.833AGG[5] (p.Glu280_Gly281insGluGlu)

Gene: DNAJB6 (DnaJ heat shock protein family (Hsp40) member B6; plus strand). Cytogenetic location: 7q36.3.
Variant type: Microsatellite.
Coding change: c.833AGG[5] on transcript NM_058246.4 (MANE Select); five copies in a row of the 3-base unit AGG starting at c.833; the reference has three copies in a row; two copies, 6 bases duplicated; also written c.836_841dup.
Protein change: p.Glu280_Gly281insGluGlu.
Molecular consequence: inframe insertion.
Genome position (GRCh38, 1-based): chr7:157,409,939-157,409,944, AGGAGG duplicated; duplicating any 6 consecutive bases within chr7:157,409,935-157,409,944 gives the same sequence; the position shown is the placement nearest the transcript's 3' end. VCF-style (leftmost placement, unchanged base first): chr7-157409934-T-TGAGGAG. GRCh37 (hg19) VCF-style: chr7-157202628-T-TGAGGAG.
Other names: c.488AGG[5], p.Glu165_Gly166insGluGlu (NM_001363676.1); c.836_841dup (NM_058246.4).
Identifiers: ClinVar variation 4078502 (VCV004078502.2).
Genomic context (GRCh38, chr7:157,409,934, plus strand): 5'-CCGCCCGCCGAAGCCGCCCCGGCCTGCCTCGCTGCTGAGACACGCGCCTCACTGTCTCTC[T>TGAGGAG]GAGGAGGAGGGCGAGCAGGACCGACCTCGGGCACCCGGGCCCTGGGACCCCCTCGCGTCC-3'

ClinVar aggregate classification (germline): Uncertain significance. Review status: criteria provided, multiple submitters, no conflicts (2 of 4 stars). 2 submissions from 2 submitters: Uncertain significance (2). Last evaluated 2025-12-02.

Conditions:
Autosomal dominant limb-girdle muscular dystrophy type 1D (DNAJB6) (LGMDD1). Also called: MUSCULAR DYSTROPHY, LIMB-GIRDLE, TYPE 1D; Autosomal dominant limb-girdle muscular dystrophy type 1D; Muscular dystrophy, limb-girdle, autosomal dominant 1; MUSCULAR DYSTROPHY, AUTOSOMAL DOMINANT, WITH RIMMED VACUOLES. Identifiers: Orphanet 34516, MedGen C4721885, MONDO:0021018, OMIM 603511.

Submissions (2):

Labcorp Genetics (formerly Invitae), Labcorp
Classification: Uncertain significance for Autosomal dominant limb-girdle muscular dystrophy type 1D (DNAJB6). Last evaluated: 2025-12-02. Review status: criteria provided, single submitter. Criteria: Invitae Variant Classification Sherloc (09022015). Collection method: clinical testing. Allele origin: germline.
Comment: This variant, c.836_841dup, results in the insertion of 2 amino acid(s) of the DNAJB6 protein (p.Glu279_Glu280dup), but otherwise preserves the integrity of the reading frame. This variant is present in population databases (rs780734833, gnomAD 0.02%). This variant has not been reported in the literature in individuals affected with DNAJB6-related conditions. In summary, the available evidence is currently insufficient to determine the role of this variant in disease. Therefore, it has been classified as a Variant of Uncertain Significance.

Revvity Omics, Revvity
Classification: Uncertain significance for Autosomal dominant limb-girdle muscular dystrophy type 1D (DNAJB6). Last evaluated: 2024-07-05. Review status: criteria provided, single submitter. Criteria: ACMG Guidelines, 2015. Collection method: clinical testing. Allele origin: germline.